The following is an entry in ClinVar:

ClinVar aggregate classification (germline): Uncertain significance (1 of 4 stars; one submission).

Conditions:
Noonan syndrome 1 (NS1). Also called: FEMALE PSEUDO-TURNER SYNDROME; TURNER PHENOTYPE WITH NORMAL KARYOTYPE; PTPN11-Related Noonan Syndrome. Identifiers: Orphanet 648, MedGen C4551602, MONDO:0008104, OMIM 163950. Disease mechanism: gain of function.

Submission:

3billion
Classification: Uncertain significance for Noonan syndrome 1. Last evaluated: 2025-12-18. Review status: criteria provided, single submitter. Criteria: ACMG Guidelines, 2015. Collection method: clinical testing. Allele origin: germline. Affected: yes.
Comment: The variant is not observed in the gnomAD v4.1.0 dataset. Predicted Consequence/Location: Missense variant. Missense changes are a common disease-causing mechanism. In silico tool predictions suggest damaging effect of the variant on gene or gene product [REVEL: 0.92 (>=0.6, sensitivity 0.68 and specificity 0.92); 3Cnet: 0.99 (> 0.75, sensitivity 0.96 and precision 0.92)]. Therefore, this variant is classified as VUS according to the recommendation of ACMG/AMP guideline.

NM_002834.5(PTPN11):c.1061T>C (p.Val354Ala)

Gene: PTPN11 (protein tyrosine phosphatase non-receptor type 11; plus strand). Cytogenetic location: 12q24.13.
Variant type: single nucleotide variant.
Coding change: c.1061T>C on transcript NM_002834.5 (MANE Select); coding-DNA position 1061, T replaced by C.
Protein change: p.Val354Ala; replaces valine 354 with alanine.
Molecular consequence: missense variant.
Genome position (GRCh38, 1-based): chr12:112,477,984, T>C. VCF-style: chr12-112477984-T-C. GRCh37 (hg19) VCF-style: chr12-112915788-T-C.
Other names: c.1061T>C, p.Val354Ala (NM_001330437.2, NM_080601.3); c.1058T>C, p.Val353Ala (NM_001374625.1); short protein forms V353A, V354A.
Identifiers: ClinVar variation 4853900 (VCV004853900.1).